The following is an entry in ClinVar:

NM_001003722.2(GLE1):c.1882-1G>T

Genes: GLE1 (GLE1 RNA export mediator; plus strand), LOC101929270 (uncharacterized LOC101929270; minus strand). Cytogenetic location: 9q34.11.
Variant type: single nucleotide variant.
Coding change: c.1882-1G>T on transcript NM_001003722.2 (MANE Select); the canonical splice acceptor site of the intron before coding-DNA position 1882, G replaced by T.
Molecular consequence: splice acceptor variant.
Genome position (GRCh38, 1-based): chr9:128,539,615, G>T. VCF-style: chr9-128539615-G-T. GRCh37 (hg19) VCF-style: chr9-131301894-G-T.
Other names: c.1882-1G>T (NM_001499.2); c.1909-1G>T (NM_001411013.1).
Identifiers: ClinVar variation 4814494 (VCV004814494.1).

ClinVar aggregate classification (germline): Pathogenic (1 of 4 stars; one submission).

Conditions:
Lethal congenital contractural syndrome Finnish type.

Submission:

Natera, Inc.
Classification: Pathogenic for Lethal congenital contractural syndrome Finnish type. Last evaluated: 2024-09-26. Review status: criteria provided, single submitter. Criteria: Natera Variant Classification Schema (03/2026). Collection method: clinical testing. Allele origin: germline.
Comment: The c.1882-1G>T variant in GLE1 is a canonical splice acceptor site variant predicted to affect pre-mRNA splicing, which may result in an abnormal transcript and altered protein product. This variant is expected to result in nonsense mediated decay, truncation, or a dysfunctional protein product. This variant is rare in the general population with a frequency below the threshold expected for the associated phenotype(s). Another variant at this same site results in an alteration predicted to cause a similar molecular effect has been observed in individual(s) with the associated phenotype. Given the available evidence, this variant is classified as Pathogenic.